The following is an entry in ClinVar:

ClinVar aggregate classification (germline): Uncertain significance (1 of 4 stars; one submission).

Conditions:
Spondyloepimetaphyseal dysplasia with joint laxity (SEMDJL). Identifiers: MedGen C0432243, MONDO:0019675.
Ehlers-Danlos syndrome, spondylodysplastic type, 2 (EDSSPD2). Also called: Ehlers-Danlos syndrome, progeroid type, 2. Identifiers: Orphanet 536467, Orphanet 75496, MedGen C3809210, MONDO:0014139, OMIM 615349.

Submission:

Labcorp Genetics (formerly Invitae), Labcorp
Classification: Uncertain significance for Ehlers-Danlos syndrome, spondylodysplastic type, 2; Spondyloepimetaphyseal dysplasia with joint laxity. Last evaluated: 2021-07-26. Review status: criteria provided, single submitter. Criteria: Invitae Variant Classification Sherloc (09022015). Collection method: clinical testing. Allele origin: germline.
Comment: In summary, the available evidence is currently insufficient to determine the role of this variant in disease. Therefore, it has been classified as a Variant of Uncertain Significance. Algorithms developed to predict the effect of missense changes on protein structure and function output the following: SIFT: "Tolerated"; PolyPhen-2: "Benign"; Align-GVGD: "Class C0". The asparagine amino acid residue is found in multiple mammalian species, suggesting that this missense change does not adversely affect protein function. These predictions have not been confirmed by published functional studies and their clinical significance is uncertain. This variant has not been reported in the literature in individuals with B3GALT6-related conditions. The frequency data for this variant in the population databases is considered unreliable, as metrics indicate insufficient coverage at this position in the ExAC database. This sequence change replaces serine with asparagine at codon 272 of the B3GALT6 protein (p.Ser272Asn). The serine residue is moderately conserved and there is a small physicochemical difference between serine and asparagine.

NM_080605.4(B3GALT6):c.815G>A (p.Ser272Asn)

Gene: B3GALT6 (beta-1,3-galactosyltransferase 6; plus strand). Cytogenetic location: 1p36.33.
Variant type: single nucleotide variant.
Coding change: c.815G>A on transcript NM_080605.4 (MANE Select); coding-DNA position 815, G replaced by A.
Protein change: p.Ser272Asn; replaces serine 272 with asparagine.
Molecular consequence: missense variant.
Genome position (GRCh38, 1-based): chr1:1,233,093, G>A. VCF-style: chr1-1233093-G-A. GRCh37 (hg19) VCF-style: chr1-1168473-G-A.
Other names: short protein forms S272N.
Identifiers: ClinVar variation 1356369 (VCV001356369.8), dbSNP rs2100994661, ClinGen allele CA337829781.